The following is an entry in ClinVar:

ClinVar aggregate classification (germline): Conflicting classifications of pathogenicity. Review status: criteria provided, conflicting classifications (1 of 4 stars). 2 submissions from 2 submitters: Uncertain significance (1); Likely benign (1). Last evaluated 2024-04-26.

Conditions:
Cardiovascular phenotype. Identifiers: MedGen CN230736.

Submissions (2):

Ambry Genetics
Classification: Likely benign for Cardiovascular phenotype. Last evaluated: 2024-04-26. Review status: criteria provided, single submitter. Criteria: Ambry Variant Classification Scheme 2023. Collection method: clinical testing. Allele origin: germline.

Labcorp Genetics (formerly Invitae), Labcorp
Classification: Uncertain significance. Last evaluated: 2024-01-22. Review status: criteria provided, single submitter. Criteria: Invitae Variant Classification Sherloc (09022015). Collection method: clinical testing. Allele origin: germline.
Comment: This sequence change replaces tryptophan, which is neutral and slightly polar, with serine, which is neutral and polar, at codon 184 of the ALPK3 protein (p.Trp184Ser). Information on the frequency of this variant in the gnomAD database is not available, as this variant may be reported differently in the database. This variant has not been reported in the literature in individuals affected with ALPK3-related conditions. ClinVar contains an entry for this variant (Variation ID: 1919608). An algorithm developed to predict the effect of missense changes on protein structure and function (PolyPhen-2) suggests that this variant is likely to be tolerated. In summary, the available evidence is currently insufficient to determine the role of this variant in disease. Therefore, it has been classified as a Variant of Uncertain Significance.

NM_020778.5(ALPK3):c.-56_-55delinsCT

Gene: ALPK3 (alpha kinase 3; plus strand). Cytogenetic location: 15q25.3.
Variant type: Indel.
Coding change: c.-56_-55delinsCT on transcript NM_020778.5 (MANE Select); 56 bases upstream of the start codon through 55 bases upstream of the start codon, GG replaced by CT.
Molecular consequence: 5 prime UTR variant.
Genome position (GRCh38, 1-based): chr15:84,817,397-84,817,398, GG replaced by CT. VCF-style: chr15-84817397-GG-CT. GRCh37 (hg19) VCF-style: chr15-85360628-GG-CT.
Other names: c.551_552delGGinsCT (NM_020778.4).
Identifiers: ClinVar variation 1919608 (VCV001919608.6), dbSNP rs2505688985, ClinGen allele CA2580090108.